The following is an entry in ClinVar:

NM_015355.4(SUZ12):c.672C>T (p.Pro224=)

Gene: SUZ12 (SUZ12 polycomb repressive complex 2 subunit; plus strand). Cytogenetic location: 17q11.2.
Variant type: single nucleotide variant.
Coding change: c.672C>T on transcript NM_015355.4 (MANE Select); coding-DNA position 672, C replaced by T.
Protein change: p.Pro224=; no amino-acid change (proline 224 retained).
Molecular consequence: synonymous variant.
Genome position (GRCh38, 1-based): chr17:31,975,562, C>T. VCF-style: chr17-31975562-C-T. GRCh37 (hg19) VCF-style: chr17-30302581-C-T.
Other names: c.603C>T, p.Pro201= (NM_001321207.2).
Identifiers: ClinVar variation 4681729 (VCV004681729.5).
Genomic context (GRCh38, chr17:31,975,562, plus strand): 5'-GCAAGTTCCCACAGGTAAAAAGCAGGTGCCTTTGAATCCTGACCTCAATCAAACAAAACC[C>T]GGAAATTTCCCGTCCCTTGCAGTTTCCAGTAATGAATTTGAACCTAGTAACAGCCATATG-3'
Protein context (NP_056170.2, residues 214-234): PLNPDLNQTK[Pro224=]GNFPSLAVSS

ClinVar aggregate classification (germline): Likely benign (1 of 4 stars; one submission).

gnomAD v4.1: 70 of 1,613,770 alleles (0.0043%); highest among the groups gnomAD compares: African/African-American, 0.044%; no homozygotes.

Submission:

CeGaT Center for Human Genetics Tuebingen
Classification: Likely benign. Last evaluated: 2026-08-01. Review status: criteria provided, single submitter. Criteria: CeGaT Center For Human Genetics Tuebingen Variant Classification Criteria Version 2. Collection method: clinical testing. Allele origin: germline. Affected: yes. Observed: 2 variant alleles.
Comment: SUZ12: BP4, BP7